The following is an entry in ClinVar:

ClinVar aggregate classification (germline): Uncertain significance. Review status: criteria provided, multiple submitters, no conflicts (2 of 4 stars). 2 submissions from 2 submitters: Uncertain significance (2). Last evaluated 2025-06-20.

Conditions:
Nephrolithiasis/nephrocalcinosis. Identifiers: MedGen CN580796.

gnomAD v4.1: 1 of 1,602,154 alleles (0.000062%); highest among the groups gnomAD compares: Admixed American, 0.0017%; no homozygotes.

Submissions (2):

Labcorp Genetics (formerly Invitae), Labcorp
Classification: Uncertain significance. Last evaluated: 2025-06-20. Review status: criteria provided, single submitter. Criteria: Invitae Variant Classification Sherloc (09022015). Collection method: clinical testing. Allele origin: germline.
Comment: This sequence change replaces isoleucine, which is neutral and non-polar, with valine, which is neutral and non-polar, at codon 164 of the GRHPR protein (p.Ile164Val). This variant is not present in population databases (gnomAD no frequency). This variant has not been reported in the literature in individuals affected with GRHPR-related conditions. Invitae Evidence Modeling of protein sequence and biophysical properties (such as structural, functional, and spatial information, amino acid conservation, physicochemical variation, residue mobility, and thermodynamic stability) indicates that this missense variant is not expected to disrupt GRHPR protein function with a negative predictive value of 80%. In summary, the available evidence is currently insufficient to determine the role of this variant in disease. Therefore, it has been classified as a Variant of Uncertain Significance.

Ambry Genetics
Classification: Uncertain significance for Nephrolithiasis/nephrocalcinosis. Last evaluated: 2025-03-26. Review status: criteria provided, single submitter. Criteria: Ambry Variant Classification Scheme 2023. Collection method: clinical testing. Allele origin: germline.

NM_012203.2(GRHPR):c.490A>G (p.Ile164Val)

Gene: GRHPR (glyoxylate and hydroxypyruvate reductase; plus strand). Cytogenetic location: 9p13.2.
Variant type: single nucleotide variant.
Coding change: c.490A>G on transcript NM_012203.2 (MANE Select); coding-DNA position 490, A replaced by G.
Protein change: p.Ile164Val; replaces isoleucine 164 with valine.
Molecular consequence: missense variant.
Genome position (GRCh38, 1-based): chr9:37,428,569, A>G. VCF-style: chr9-37428569-A-G. GRCh37 (hg19) VCF-style: chr9-37428566-A-G.
Other names: short protein forms I164V.
Identifiers: ClinVar variation 4032241 (VCV004032241.2).